The following is an entry in ClinVar:

NM_000334.4(SCN4A):c.5403C>T (p.Ala1801=)

Genes: GH-LCR (growth hormone locus control region; plus strand), SCN4A (sodium voltage-gated channel alpha subunit 4; minus strand). Cytogenetic location: 17q23.3.
Variant type: single nucleotide variant.
Coding change: c.5403C>T on transcript NM_000334.4 (MANE Select); coding-DNA position 5403, C replaced by T.
Protein change: p.Ala1801=; no amino-acid change (alanine 1801 retained).
Molecular consequence: synonymous variant.
Genome position (GRCh38, 1-based): chr17:63,940,879, G>A on the plus strand (C>T on the coding strand, the complement: SCN4A is on the minus strand). VCF-style: chr17-63940879-G-A. GRCh37 (hg19) VCF-style: chr17-62018239-G-A.
Other names: p.Ala1801=.
Identifiers: ClinVar variation 130239 (VCV000130239.25), dbSNP rs2227907, ClinGen allele CA155086.

ClinVar aggregate classification (germline): Benign. Review status: criteria provided, multiple submitters, no conflicts (2 of 4 stars). 12 submissions from 8 submitters: Benign (12). Last evaluated 2026-02-04.

Conditions:
Congenital myasthenic syndrome 16. Identifiers: Orphanet 590, MedGen C3280112, MONDO:0013620, OMIM 614198.
Paramyotonia congenita of Von Eulenburg. Also called: PARALYSIS PERIODICA PARAMYOTONICA; Paramyotonia Congenita; Eulenburg disease; Myotonia congenita intermittens; Von Eulenburg paramyotonia congenita. Identifiers: Orphanet 684, MedGen C0221055, MONDO:0008195, OMIM 168300. Disease mechanism: loss of function.
Hyperkalemic periodic paralysis. Also called: Familial hyperkalemic periodic paralysis; Gamstorp disease. Identifiers: Orphanet 682, MedGen C0238357, MONDO:0008224, OMIM 170500, HP:0007215.
Hypokalemic periodic paralysis, type 2 (HOKPP2). Identifiers: Orphanet 681, MedGen C2750061, MONDO:0013234, OMIM 613345.
Potassium-aggravated myotonia. Also called: MYOTONIA CONGENITA, ACETAZOLAMIDE-RESPONSIVE; MYOTONIA CONGENITA, ATYPICAL; SODIUM CHANNEL MUSCLE DISEASE; Myotonia congenita, atypical, acetazolamide-responsive. Identifiers: Orphanet 612, Orphanet 99734, Orphanet 99735, Orphanet 99736, MedGen C2931826, MONDO:0018959, OMIM 608390.

Allele frequency attached by ClinVar (database versions not stated): ExAC 0.03746; ESP Exome Variant Server 0.12500; gnomAD 0.12581 and 0.11767; 1000 Genomes Project 0.13698; 1000 Genomes Project 30x 0.14491; TOPMed 0.13270; gnomAD exomes 0.01207 and 0.03107.
gnomAD v4.1: 36,389 of 1,613,594 alleles (2.3%); highest among the groups gnomAD compares: African/African-American, 41%; 6,704 homozygotes.

Submissions (12):

Labcorp Genetics (formerly Invitae), Labcorp
Classification: Benign for Hyperkalemic periodic paralysis. Last evaluated: 2026-02-04. Review status: criteria provided, single submitter. Criteria: Invitae Variant Classification Sherloc (09022015). Collection method: clinical testing. Allele origin: germline.

Athena Diagnostics
Classification: Benign. Last evaluated: 2025-08-15. Review status: criteria provided, single submitter. Criteria: Athena Diagnostics Criteria. Collection method: clinical testing. Allele origin: unknown.
Comment: The frequency of this variant in the general population is higher than would generally be expected for pathogenic variants in this gene.

Illumina Laboratory Services, Illumina
Classification: Benign for Hyperkalemic periodic paralysis. Last evaluated: 2018-01-12. Review status: criteria provided, single submitter. Criteria: ICSL Variant Classification Criteria 13 December 2019. Collection method: clinical testing. Allele origin: germline.
Comment: This variant was observed in the ICSL laboratory as part of a predisposition screen in an ostensibly healthy population. It had not been previously curated by ICSL or reported in the Human Gene Mutation Database (HGMD: prior to June 1st, 2018), and was therefore a candidate for classification through an automated scoring system. Utilizing variant allele frequency, disease prevalence and penetrance estimates, and inheritance mode, an automated score was calculated to assess if this variant is too frequent to cause the disease. Based on the score and internal cut-off values, a variant classified as benign is not then subjected to further curation. The score for this variant resulted in a classification of benign for this disease.

Illumina Laboratory Services, Illumina
Classification: Benign for Paramyotonia congenita of Von Eulenburg. Last evaluated: 2018-01-12. Review status: criteria provided, single submitter. Criteria: ICSL Variant Classification Criteria 13 December 2019. Collection method: clinical testing. Allele origin: germline.
Comment: the same text as in the submission from Illumina Laboratory Services, Illumina above.

Illumina Laboratory Services, Illumina
Classification: Benign for Congenital myasthenic syndrome 16. Last evaluated: 2018-01-12. Review status: criteria provided, single submitter. Criteria: ICSL Variant Classification Criteria 13 December 2019. Collection method: clinical testing. Allele origin: germline.
Comment: the same text as in the submission from Illumina Laboratory Services, Illumina above.

Illumina Laboratory Services, Illumina
Classification: Benign for Hypokalemic periodic paralysis, type 2. Last evaluated: 2018-01-12. Review status: criteria provided, single submitter. Criteria: ICSL Variant Classification Criteria 13 December 2019. Collection method: clinical testing. Allele origin: germline.
Comment: the same text as in the submission from Illumina Laboratory Services, Illumina above.

Illumina Laboratory Services, Illumina
Classification: Benign for Potassium-aggravated myotonia. Last evaluated: 2018-01-12. Review status: criteria provided, single submitter. Criteria: ICSL Variant Classification Criteria 13 December 2019. Collection method: clinical testing. Allele origin: germline.
Comment: the same text as in the submission from Illumina Laboratory Services, Illumina above.

Mayo Clinic Laboratories, Mayo Clinic
Classification: Benign. Last evaluated: 2018-01-04. Review status: criteria provided, single submitter. Criteria: ACMG Guidelines, 2015. Collection method: clinical testing. Allele origin: germline. Observed: 86 variant alleles.

GeneDx
Classification: Benign. Last evaluated: 2016-03-07. Review status: criteria provided, single submitter. Criteria: GeneDx Variant Classification (06012015). Collection method: clinical testing. Allele origin: germline. Affected: yes.
Comment: This variant is considered likely benign or benign based on one or more of the following criteria: it is a conservative change, it occurs at a poorly conserved position in the protein, it is predicted to be benign by multiple in silico algorithms, and/or has population frequency not consistent with disease.

Genetic Services Laboratory, University of Chicago
Classification: Benign for AllHighlyPenetrant. Last evaluated: 2013-08-15. Review status: criteria provided, single submitter. Criteria: ACMG Guidelines, 2007. Collection method: clinical testing. Allele origin: germline. Inheritance: Autosomal recessive inheritance.

Breakthrough Genomics
Classification: Benign. Review status: criteria provided, single submitter. Criteria: ACMG Guidelines, 2015. Collection method: not provided. Allele origin: germline. Inheritance: Autosomal recessive inheritance. Affected: yes.

PreventionGenetics, part of Exact Sciences
Classification: Benign. Review status: criteria provided, single submitter. Criteria: ACMG Guidelines, 2015. Collection method: clinical testing. Allele origin: germline.